The following is an entry in ClinVar:

NM_001040716.2(PC):c.1465del (p.Gln489fs)

Gene: PC (pyruvate carboxylase; minus strand). Cytogenetic location: 11q13.2.
Variant type: Deletion.
Coding change: c.1465del on transcript NM_001040716.2 (MANE Select); coding-DNA position 1465, one base deleted (C; older notation c.1465delC).
Protein change: p.Gln489fs; shifts the reading frame from glutamine 489.
Molecular consequence: frameshift variant.
Genome position (GRCh38, 1-based): chr11:66,853,287, G deleted on the plus strand (C on the coding strand, the reverse complement: PC is on the minus strand); the first of 2 consecutive G bases (chr11:66,853,287-66,853,288); deleting either gives the same sequence. VCF-style (leftmost placement, unchanged base first): chr11-66853286-TG-T. GRCh37 (hg19) VCF-style: chr11-66620757-TG-T.
Other names: c.1465del, p.Gln489fs (NM_000920.4, NM_022172.3); short protein forms Q489fs.
Identifiers: ClinVar variation 2085442 (VCV002085442.4), dbSNP rs2495508261, ClinGen allele CA2580084868.
Genomic context (GRCh38, chr11:66,853,286, plus strand): 5'-TCTCGGGCCAGACCGAGGTAGTGCAACAGCTTTTGGGCCCGGTTCTGTGCAGGCCGCAGC[TG>T]GAACAGCTCTGGGTTCTCGTCGATGAACTGGGTGTCCACAGTGCCTGCCAGGAACTGCTG-3'

ClinVar aggregate classification (germline): Pathogenic (1 of 4 stars; one submission).

Conditions:
Pyruvate carboxylase deficiency. Also called: Pyruvate Carboxylase Deficiency Disease; ATAXIA WITH LACTIC ACIDOSIS II; LEIGH NECROTIZING ENCEPHALOPATHY DUE TO PYRUVATE CARBOXYLASE DEFICIENCY; LEIGH SYNDROME DUE TO PYRUVATE CARBOXYLASE DEFICIENCY; PC DEFICIENCY. Identifiers: Orphanet 3008, MedGen C0034341, MONDO:0009949, OMIM 266150.

Submission:

Labcorp Genetics (formerly Invitae), Labcorp
Classification: Pathogenic for Pyruvate carboxylase deficiency. Last evaluated: 2022-01-16. Review status: criteria provided, single submitter. Criteria: Invitae Variant Classification Sherloc (09022015). Collection method: clinical testing. Allele origin: germline.
Comment: For these reasons, this variant has been classified as Pathogenic. This variant has not been reported in the literature in individuals affected with PC-related conditions. This variant is not present in population databases (gnomAD no frequency). This sequence change creates a premature translational stop signal (p.Gln489Serfs*21) in the PC gene. It is expected to result in an absent or disrupted protein product. Loss-of-function variants in PC are known to be pathogenic (PMID: 12112657, 19306334).

Literature cited by the submitters: PubMed 12112657; PubMed 19306334.